The following is an entry in ClinVar:

NM_170707.4(LMNA):c.1699-10C>A

Gene: LMNA (lamin A/C; plus strand). Cytogenetic location: 1q22.
Variant type: single nucleotide variant.
Coding change: c.1699-10C>A on transcript NM_170707.4 (MANE Select); 10 bases into the intron before coding-DNA position 1699, C replaced by A.
Molecular consequence: intron variant.
Genome position (GRCh38, 1-based): chr1:156,138,478, C>A. VCF-style: chr1-156138478-C-A. GRCh37 (hg19) VCF-style: chr1-156108269-C-A.
Other names: c.1699-10C>A (NM_001282626.2, NM_170707.2); c.1609-10C>A (NM_170708.4); c.1363-10C>A (NM_001257374.3).
Identifiers: ClinVar variation 1380476 (VCV001380476.9), dbSNP rs980347866, ClinGen allele CA31015331.

ClinVar aggregate classification (germline): Likely benign. Review status: criteria provided, multiple submitters, no conflicts (2 of 4 stars). 3 submissions from 3 submitters: Likely benign (3). Last evaluated 2025-06-16.

Conditions:
Cardiovascular phenotype. Identifiers: MedGen CN230736.
Primary dilated cardiomyopathy (DCM). Also called: Dilated Cardiomyopathy. Identifiers: Orphanet 217604, MedGen C0007193, MeSH D002311, MONDO:0005021, HP:0001644. Inheritance: Various modes of inheritance.
Charcot-Marie-Tooth disease type 2. Also called: Charcot-Marie-Tooth type 2. Identifiers: Orphanet 64746, MedGen C0270914, MONDO:0018993.

Allele frequency attached by ClinVar (database versions not stated): TOPMed 0.00001; gnomAD 0.00001; gnomAD exomes 0.00001.
gnomAD v4.1: 4 of 1,611,288 alleles (0.00025%); highest among the groups gnomAD compares: African/African-American, 0.004%; no homozygotes.

Submissions (3):

Ambry Genetics
Classification: Likely benign for Cardiovascular phenotype. Last evaluated: 2025-06-16. Review status: criteria provided, single submitter. Criteria: Ambry Variant Classification Scheme 2023. Collection method: clinical testing. Allele origin: germline.

All of Us Research Program, National Institutes of Health
Classification: Likely benign for Primary dilated cardiomyopathy. Last evaluated: 2024-06-17. Review status: criteria provided, single submitter. Criteria: ACMG Guidelines, 2015. Collection method: clinical testing. Allele origin: germline. Inheritance: Autosomal dominant inheritance. Observed: 2 variant alleles, 2 heterozygotes.
Comment: This study involves interpretation of variants in research participants for the purpose of population health screening. Participant phenotype was not available at the time of variant classification. Additional details can be found in publication PMID: 35346344, PMCID: PMC8962531

Labcorp Genetics (formerly Invitae), Labcorp
Classification: Likely benign for Charcot-Marie-Tooth disease type 2. Last evaluated: 2023-11-27. Review status: criteria provided, single submitter. Criteria: Invitae Variant Classification Sherloc (09022015). Collection method: clinical testing. Allele origin: germline.